The following is an entry in ClinVar:

NM_001130009.3(GEN1):c.286T>G (p.Ser96Ala)

Gene: GEN1 (GEN1 structure-specific endonuclease; plus strand). Cytogenetic location: 2p24.2.
Variant type: single nucleotide variant.
Coding change: c.286T>G on transcript NM_001130009.3 (MANE Select); coding-DNA position 286, T replaced by G.
Protein change: p.Ser96Ala; replaces serine 96 with alanine.
Molecular consequence: missense variant.
Genome position (GRCh38, 1-based): chr2:17,761,520, T>G. VCF-style: chr2-17761520-T-G. GRCh37 (hg19) VCF-style: chr2-17942787-T-G.
Other names: c.286T>G, p.Ser96Ala (NM_182625.5); short protein forms S96A.
Identifiers: ClinVar variation 4857958 (VCV004857958.1).
Genomic context (GRCh38, chr2:17,761,520, plus strand): 5'-GGGGAACCACCAAAGCTGAAAGCTGATGTCATAAGCAAGAGGAATCAGTCTCGGTATGGG[T>G]CTTCTGGAAAATCGTGGTCTCAGAAAACAGGGAGATCACATTTTAAATCAGTCTTAAGAG-3'
Protein context (NP_001123481.3, residues 86-106): ISKRNQSRYG[Ser96Ala]SGKSWSQKTG

ClinVar aggregate classification (germline): Uncertain significance (1 of 4 stars; one submission).

Submission:

Ambry Genetics
Classification: Uncertain significance. Last evaluated: 2026-04-11. Review status: criteria provided, single submitter. Criteria: Ambry Variant Classification Scheme 2023. Collection method: clinical testing. Allele origin: germline.
Comment: The p.S96A variant (also known as c.286T>G), located in coding exon 2 of the GEN1 gene, results from a T to G substitution at nucleotide position 286. The serine at codon 96 is replaced by alanine, an amino acid with similar properties. This amino acid position is conserved. In addition, this alteration is predicted to be tolerated by in silico analysis. Based on the available evidence, the clinical significance of this variant remains unclear.